The following is an entry in ClinVar:

NM_007294.4(BRCA1):c.1106_1108del (p.Asp369del)

Gene: BRCA1 (BRCA1 DNA repair associated; minus strand). Cytogenetic location: 17q21.31.
Variant type: Deletion.
Coding change: c.1106_1108del on transcript NM_007294.4 (MANE Select); coding-DNA positions 1106 to 1108, 3 bases deleted (ATG; older notation c.1106_1108delATG).
Protein change: p.Asp369del; deletes aspartic acid 369.
Molecular consequence: inframe deletion. On other transcripts: inframe indel (1), intron variant (137).
Genome position (GRCh38, 1-based): chr17:43,094,423-43,094,425, CAT deleted on the plus strand (ATG on the coding strand, the reverse complement: BRCA1 is on the minus strand); deleting any 3 consecutive bases within chr17:43,094,423-43,094,426 gives the same sequence; the c. name uses the placement nearest the transcript's 3' end. VCF-style (leftmost placement, unchanged base first): chr17-43094422-ACAT-A. GRCh37 (hg19) VCF-style: chr17-41246439-ACAT-A.
Other names: c.1106_1108delATG (NM_007294.3); c.893_895del, p.Asp298del (NM_001407571.1, NM_001407853.1, NM_001407894.1 and 9 more transcripts); c.1106_1108del, p.Asp369del (NM_001407581.1, NM_001407582.1, NM_001407583.1 and 30 more transcripts); c.1103_1105del, p.Asp368del (NM_001407587.1, NM_001407590.1, NM_001407591.1 and 22 more transcripts); c.1097_1099del, p.Asp366del (NM_001407646.1, NM_001407647.1); c.983_985del, p.Asp328del (NM_001407648.1, NM_001407664.1, NM_001407665.1 and 19 more transcripts); c.980_982del, p.Asp327del (NM_001407649.1, NM_001407670.1, NM_001407671.1 and 11 more transcripts); c.1028_1030del, p.Asp343del (NM_001407653.1, NM_001407654.1, NM_001407655.1 and 4 more transcripts); and 41 more; short protein forms D369del, D322del, D258del, D281del, D328del, D241del, D280del, D302del.
Identifiers: ClinVar variation 54130 (VCV000054130.36), dbSNP rs80358325, ClinGen allele CA000737.

ClinVar aggregate classification (germline): Benign. Review status: reviewed by expert panel (3 of 4 stars). 16 submissions from 15 submitters: Benign (1). 15 of the submissions do not count toward it. Last evaluated 2019-06-18.

Conditions:
BRCA1-related disorder. Also called: BRCA1-related condition.
Breast and/or ovarian cancer. Identifiers: MedGen CN221562.
Hereditary cancer-predisposing syndrome. Also called: Tumor predisposition; Neoplastic Syndromes, Hereditary; Hereditary Cancer Syndrome; Hereditary neoplastic syndrome. Identifiers: Orphanet 140162, MedGen C0027672, MeSH D009386, MONDO:0015356.
Ovarian cancer. Also called: OVARIAN CANCER, SOMATIC. Identifiers: Orphanet 213500, MedGen C1140680, MONDO:0008170, OMIM 167000.
Hereditary breast ovarian cancer syndrome. Also called: Hereditary breast and ovarian cancer syndrome (HBOC); Hereditary breast and ovarian cancer syndrome; Hereditary breast and ovarian cancer; Hereditary breast and/or ovarian cancer syndrome; Breast and ovarian cancer; BRCA1- and BRCA2-Associated Hereditary Breast and Ovarian Cancer. Identifiers: Orphanet 145, MedGen C0677776, MeSH D061325, MONDO:0003582. Disease mechanism: loss of function.
Breast-ovarian cancer, familial, susceptibility to, 1 (BROVCA1). Also called: OVARIAN CANCER, SUSCEPTIBILITY TO; BRCA1 Hereditary Breast and Ovarian Cancer. Identifiers: Orphanet 145, MedGen C2676676, MONDO:0011450, OMIM 604370. Disease mechanism: loss of function.

Submissions 1 to 14 of 16:

Evidence-based Network for the Interpretation of Germline Mutant Alleles (ENIGMA)
Classification: Benign for Breast-ovarian cancer, familial, susceptibility to, 1. Last evaluated: 2019-06-18. Review status: reviewed by expert panel. Criteria: ENIGMA BRCA1/2 Classification Criteria (2017-06-29). Collection method: curation. Allele origin: germline.
Comment: IARC class based on posterior probability from multifactorial likelihood analysis, thresholds for class as per Plon et al. 2008 (PMID: 18951446). Class 1 based on posterior probability = 3.98E-07

Labcorp Genetics (formerly Invitae), Labcorp
Classification: Benign for Hereditary breast ovarian cancer syndrome. Last evaluated: 2026-01-28. Review status: criteria provided, single submitter. Criteria: Invitae Variant Classification Sherloc (09022015). Collection method: clinical testing. Allele origin: germline. Not counted in ClinVar's aggregate classification.

Blueprint Genetics
Classification: Likely benign. Last evaluated: 2024-08-13. Review status: criteria provided, single submitter. Criteria: ACMG Guidelines, 2015. Collection method: clinical testing. Allele origin: germline. Not counted in ClinVar's aggregate classification.

Quest Diagnostics Nichols Institute San Juan Capistrano
Classification: Likely benign. Last evaluated: 2023-01-04. Review status: criteria provided, single submitter. Criteria: Quest Diagnostics criteria. Collection method: clinical testing. Allele origin: unknown. Not counted in ClinVar's aggregate classification.

Sema4
Classification: Likely benign for Hereditary cancer-predisposing syndrome. Last evaluated: 2021-06-26. Review status: criteria provided, single submitter. Criteria: Sema4 Curation Guidelines. Collection method: curation. Allele origin: germline. Not counted in ClinVar's aggregate classification.

GeneDx
Classification: Likely benign. Last evaluated: 2020-10-12. Review status: criteria provided, single submitter. Criteria: GeneDx Variant Classification Process June 2021. Collection method: clinical testing. Allele origin: germline. Affected: yes. Not counted in ClinVar's aggregate classification.
Comment: This variant is associated with the following publications: (PMID: 11044354, 19941162, 27153395, 8807330, 21990134, 17924331, 22753008, 20104584, 16267036, 16489001)

Women's Health and Genetics/Laboratory Corporation of America, LabCorp
Classification: Benign. Last evaluated: 2020-07-23. Review status: criteria provided, single submitter. Criteria: LabCorp Variant Classification Summary - May 2015. Collection method: clinical testing. Allele origin: germline. Not counted in ClinVar's aggregate classification.
Comment: Variant summary: BRCA1 c.1106_1108delATG (p.Asp369del) results in an in-frame deletion that is predicted to remove an Asp amino acid from the encoded protein. The variant allele was found at a frequency of 5.3e-05 in 245906 control chromosomes, predominantly at a frequency of 0.00012 within the Non-Finnish European subpopulation in the gnomAD database. This frequency is not significantly higher than expected for a pathogenic variant in BRCA1 causing Hereditary Breast and Ovarian Cancer (5.3e-05 vs 0.001), allowing no conclusion about variant significance. c.1106_1108delATG has been reported in the literature in individuals affected with Hereditary Breast and Ovarian Cancer (Chenevix-Trench_2006) that indicates the variant co-occurred in trans with a pathogenic BRCA1 variant, although the variant was not specified. Co-occurrences with other pathogenic variants have been reported (BRCA2 c.4409_4410delTA, p.I470fsX11; BRCA2 c.7180A>T, p.Arg2394X), providing supporting evidence for a benign role. Multifactorial probability models, performing systematic assessments of variants of unknown significance in the BRCA genes, which included analysis of co-occurrence in trans with known deleterious mutations, personal and family history of cancer and co-segregation with disease in pedigrees (when available), predicted this variant to be neutral (Easton 2007, Lindor 2012). Six clinical diagnostic laboratories have submitted clinical-significance assessments for this variant to ClinVar after 2014 without evidence for independent evaluation. All laboratories classified the variant as benign/likely benign. In addition, one expert panel classified this variant as benign. Based on the evidence outlined above, the variant was classified as benign.

Mendelics
Classification: Benign for Breast-ovarian cancer, familial, susceptibility to, 1. Last evaluated: 2019-05-28. Review status: criteria provided, single submitter. Criteria: Mendelics Assertion Criteria 2017. Collection method: clinical testing. Allele origin: unknown. Not counted in ClinVar's aggregate classification.

Ambry Genetics
Classification: Likely benign for Hereditary cancer-predisposing syndrome. Last evaluated: 2019-01-16. Review status: criteria provided, single submitter. Criteria: Ambry Variant Classification Scheme 2023. Collection method: clinical testing. Allele origin: germline. Not counted in ClinVar's aggregate classification.

Color Diagnostics, LLC DBA Color Health
Classification: Likely benign for Hereditary cancer-predisposing syndrome. Last evaluated: 2015-10-01. Review status: criteria provided, single submitter. Criteria: ACMG Guidelines, 2015. Collection method: clinical testing. Allele origin: germline. Not counted in ClinVar's aggregate classification.

CHEO Genetics Diagnostic Laboratory, Children's Hospital of Eastern Ontario
Classification: Likely benign for Breast and/or ovarian cancer. Last evaluated: 2015-09-16. Review status: criteria provided, single submitter. Criteria: ACMG Guidelines, 2015. Collection method: clinical testing. Allele origin: germline. Study: Canadian Open Genetics Repository. Not counted in ClinVar's aggregate classification.

PreventionGenetics, part of Exact Sciences
Classification: Likely benign for BRCA1-related condition. Last evaluated: 2019-06-20. Review status: no assertion criteria provided. Collection method: clinical testing. Allele origin: germline. Not counted in ClinVar's aggregate classification.
Comment: This variant is classified as likely benign based on ACMG/AMP sequence variant interpretation guidelines (Richards et al. 2015 PMID: 25741868, with internal and published modifications).

Counsyl
Classification: Likely benign for Breast-ovarian cancer, familial 1. Last evaluated: 2014-05-21. Review status: no assertion criteria provided. Collection method: literature only. Allele origin: unknown. Inheritance: Autosomal dominant inheritance. Not counted in ClinVar's aggregate classification.

Breast Cancer Information Core (BIC) (BRCA1)
Classification: Uncertain significance for Breast-ovarian cancer, familial 1. Last evaluated: 2013-03-25. Review status: no assertion criteria provided. Collection method: clinical testing. Allele origin: germline. Affected: yes. Observed: 2 variant alleles. Not counted in ClinVar's aggregate classification.